The following is an entry in ClinVar:

NM_001457.4(FLNB):c.808A>G (p.Met270Val)

Gene: FLNB (filamin B; plus strand). Cytogenetic location: 3p14.3.
Variant type: single nucleotide variant.
Coding change: c.808A>G on transcript NM_001457.4 (MANE Select); coding-DNA position 808, A replaced by G.
Protein change: p.Met270Val; replaces methionine 270 with valine.
Molecular consequence: missense variant.
Genome position (GRCh38, 1-based): chr3:58,094,856, A>G. VCF-style: chr3-58094856-A-G. GRCh37 (hg19) VCF-style: chr3-58080583-A-G.
Other names: c.808A>G, p.Met270Val (NM_001164317.2, NM_001164318.2, NM_001164319.2); short protein forms M270V.
Identifiers: ClinVar variation 252548 (VCV000252548.28), dbSNP rs145036794, ClinGen allele CA2467638.

ClinVar aggregate classification (germline): Conflicting classifications of pathogenicity. Review status: criteria provided, conflicting classifications (1 of 4 stars). 11 submissions from 11 submitters: Uncertain significance (5); Likely benign (4). 2 of the submissions do not count toward it. Last evaluated 2026-01-19.

Conditions:
FLNB-Related Spectrum Disorders.
Connective tissue disorder. Also called: Connective tissue disease. Identifiers: MedGen C0009782, MONDO:0003900.
Inborn genetic diseases. Identifiers: MedGen C0950123, MeSH D030342.
Larsen syndrome (LRS). Also called: Bilateral dislocation of the knees, pes cavus, cylindrically shaped fingers and characteristic facies; Larsen syndrome (FLNB-LS). Identifiers: Orphanet 503, MedGen C0175778, MONDO:0007875, OMIM 150250. Disease mechanism: loss of function.
Boomerang dysplasia. Identifiers: Orphanet 1263, MedGen C0432201, MONDO:0007208, OMIM 112310.
Spondylocarpotarsal synostosis syndrome (SCT). Also called: SPONDYLOCARPOTARSAL SYNDROME; VERTEBRAL FUSION WITH CARPAL COALITION; Synspondylism congenital; Scoliosis, congenital with unilateral unsegmented bar; Spondylocarpotarsal Synostosis Syndrome (FLNB-SCT). Identifiers: Orphanet 3275, MedGen C1848934, MONDO:0010094, OMIM 272460.
Atelosteogenesis type III. Also called: Atelosteogenesis Type 3 (FLNB-AO3). Identifiers: Orphanet 56305, MedGen C3668942, MONDO:0007168, OMIM 108721.
Atelosteogenesis type I. Also called: SPONDYLOHUMEROFEMORAL HYPOPLASIA; GIANT CELL CHONDRODYSPLASIA; Atelosteogenesis Type 1 (FLNB-AO1). Identifiers: Orphanet 1190, MedGen C0265283, MONDO:0007167, OMIM 108720.

Allele frequency attached by ClinVar (database versions not stated): 1000 Genomes Project 30x 0.00016; 1000 Genomes Project 0.00020; ExAC 0.00056; gnomAD exomes 0.00072 and 0.00118; TOPMed 0.00082; gnomAD 0.00094 and 0.00096; ESP Exome Variant Server 0.00100.
gnomAD v4.1: 1,864 of 1,614,128 alleles (0.12%); highest among the groups gnomAD compares: Non-Finnish European, 0.14%; 1 homozygote.

Submissions (11):

Labcorp Genetics (formerly Invitae), Labcorp
Classification: Likely benign. Last evaluated: 2026-01-19. Review status: criteria provided, single submitter. Criteria: Invitae Variant Classification Sherloc (09022015). Collection method: clinical testing. Allele origin: germline.

Blueprint Genetics
Classification: Likely benign. Last evaluated: 2024-11-25. Review status: criteria provided, single submitter. Criteria: ACMG Guidelines, 2015. Collection method: clinical testing. Allele origin: germline.

Genome Diagnostics Laboratory, The Hospital for Sick Children
Classification: Uncertain significance for Connective tissue disorder. Last evaluated: 2022-03-18. Review status: criteria provided, single submitter. Criteria: ACMG Guidelines, 2015. Collection method: clinical testing. Allele origin: germline.

Ambry Genetics
Classification: Likely benign for Inborn genetic diseases. Last evaluated: 2021-08-09. Review status: criteria provided, single submitter. Criteria: Ambry Variant Classification Scheme 2023. Collection method: clinical testing. Allele origin: germline.

GeneDx
Classification: Likely benign. Last evaluated: 2021-01-08. Review status: criteria provided, single submitter. Criteria: GeneDx Variant Classification Process June 2021. Collection method: clinical testing. Allele origin: germline. Affected: yes.
Comment: In silico analysis supports that this missense variant does not alter protein structure/function; Has not been previously published as pathogenic or benign to our knowledge

Fulgent Genetics
Classification: Uncertain significance for Atelosteogenesis type I; Atelosteogenesis type III; Boomerang dysplasia; Larsen syndrome; Spondylocarpotarsal synostosis syndrome. Last evaluated: 2018-10-31. Review status: criteria provided, single submitter. Criteria: ACMG Guidelines, 2015. Collection method: clinical testing. Allele origin: unknown.

Illumina Laboratory Services, Illumina
Classification: Uncertain significance for FLNB-Related Spectrum Disorders. Last evaluated: 2018-01-13. Review status: criteria provided, single submitter. Criteria: ICSL Variant Classification Criteria 13 December 2019. Collection method: clinical testing. Allele origin: germline.

Eurofins Ntd Llc (ga)
Classification: Uncertain significance. Last evaluated: 2016-09-01. Review status: criteria provided, single submitter. Criteria: EGL Classification Definitions 2015. Collection method: clinical testing. Allele origin: germline. Observed: 1 variant allele, 1 heterozygote.

Genomic Diagnostic Laboratory, Division of Genomic Diagnostics, Children's Hospital of Philadelphia
Classification: Uncertain significance. Last evaluated: 2015-07-30. Review status: criteria provided, single submitter. Criteria: DGD Variant Analysis Guidelines. Collection method: clinical testing. Allele origin: unknown.

Clinical Genetics DNA and cytogenetics Diagnostics Lab, Erasmus MC, Erasmus Medical Center
Classification: Likely benign. Review status: no assertion criteria provided. Collection method: clinical testing. Allele origin: germline. Affected: yes. Study: VKGL Data-share Consensus. Not counted in ClinVar's aggregate classification.

Genome Diagnostics Laboratory, Amsterdam University Medical Center
Classification: Likely benign. Review status: no assertion criteria provided. Collection method: clinical testing. Allele origin: germline. Affected: yes. Study: VKGL Data-share Consensus. Not counted in ClinVar's aggregate classification.